The following is an entry in ClinVar:

ClinVar aggregate classification (germline): Uncertain significance. Review status: criteria provided, multiple submitters, no conflicts (2 of 4 stars). 3 submissions from 3 submitters: Uncertain significance (3). Last evaluated 2026-01-15.

Conditions:
Familial thoracic aortic aneurysm and aortic dissection (TAAD). Also called: Thoracic aortic aneurysms and dissections. Identifiers: Orphanet 91387, MedGen C4707243, MONDO:0019625.
Aortic aneurysm, familial thoracic 4 (AAT4). Also called: AORTIC ANEURYSM/AORTIC DISSECTION AND PATENT DUCTUS ARTERIOSUS. Identifiers: MedGen C1851504, MONDO:0007568, OMIM 132900.

Allele frequency attached by ClinVar (database versions not stated): ExAC 0.00001; gnomAD exomes 0.00001.
gnomAD v4.1: 20 of 1,614,190 alleles (0.0012%); highest among the groups gnomAD compares: Admixed American, 0.0033%; no homozygotes.

Submissions (3):

Labcorp Genetics (formerly Invitae), Labcorp
Classification: Uncertain significance for Aortic aneurysm, familial thoracic 4. Last evaluated: 2026-01-15. Review status: criteria provided, single submitter. Criteria: Invitae Variant Classification Sherloc (09022015). Collection method: clinical testing. Allele origin: germline.
Comment: This sequence change replaces proline, which is neutral and non-polar, with leucine, which is neutral and non-polar, at codon 151 of the MYH11 protein (p.Pro151Leu). This variant is present in population databases (rs750723134, gnomAD 0.006%). This variant has not been reported in the literature in individuals affected with MYH11-related conditions. ClinVar contains an entry for this variant (Variation ID: 1395250). Invitae Evidence Modeling of protein sequence and biophysical properties (such as structural, functional, and spatial information, amino acid conservation, physicochemical variation, residue mobility, and thermodynamic stability) has been performed for this missense variant. However, the output from this modeling did not meet the statistical confidence thresholds required to predict the impact of this variant on MYH11 protein function. In summary, the available evidence is currently insufficient to determine the role of this variant in disease. Therefore, it has been classified as a Variant of Uncertain Significance.

Color Diagnostics, LLC DBA Color Health
Classification: Uncertain significance for Familial thoracic aortic aneurysm and aortic dissection. Last evaluated: 2025-02-18. Review status: criteria provided, single submitter. Criteria: ACMG Guidelines, 2015. Collection method: clinical testing. Allele origin: germline.
Comment: This missense variant replaces proline with leucine at codon 151 of the MYH11 protein. Computational prediction suggests that this variant may have a deleterious impact on protein structure and function. To our knowledge, functional studies have not been reported for this variant. This variant has not been reported in individuals affected with MYH11-related disorders in the literature. This variant has been identified in 2/251486 chromosomes in the general population by the Genome Aggregation Database (gnomAD). The available evidence is insufficient to determine the role of this variant in disease conclusively. Therefore, this variant is classified as a Variant of Uncertain Significance.

All of Us Research Program, National Institutes of Health
Classification: Uncertain significance for Familial thoracic aortic aneurysm and aortic dissection. Last evaluated: 2024-08-06. Review status: criteria provided, single submitter. Criteria: ACMG Guidelines, 2015. Collection method: clinical testing. Allele origin: germline. Inheritance: Autosomal dominant inheritance. Observed: 2 variant alleles, 2 heterozygotes.
Comment: This study involves interpretation of variants in research participants for the purpose of population health screening. Participant phenotype was not available at the time of variant classification. Additional details can be found in publication PMID: 35346344, PMCID: PMC8962531

NM_002474.3(MYH11):c.452C>T (p.Pro151Leu)

Gene: MYH11 (myosin heavy chain 11; minus strand). Cytogenetic location: 16p13.11.
Variant type: single nucleotide variant.
Coding change: c.452C>T on transcript NM_002474.3 (MANE Select); coding-DNA position 452, C replaced by T.
Protein change: p.Pro151Leu; replaces proline 151 with leucine.
Molecular consequence: missense variant.
Genome position (GRCh38, 1-based): chr16:15,823,305, G>A on the plus strand (C>T on the coding strand, the complement: MYH11 is on the minus strand). VCF-style: chr16-15823305-G-A. GRCh37 (hg19) VCF-style: chr16-15917162-G-A.
Other names: c.452C>T, p.Pro151Leu (NM_001040113.2, NM_001040114.2, NM_022844.3); short protein forms P151L.
Identifiers: ClinVar variation 1395250 (VCV001395250.12), dbSNP rs750723134, ClinGen allele CA7923044.